The following is an entry in ClinVar:

NM_016955.4(SEPSECS):c.1111A>G (p.Ile371Val)

Gene: SEPSECS (Sep (O-phosphoserine) tRNA:Sec (selenocysteine) tRNA synthase; minus strand). Cytogenetic location: 4p15.2.
Variant type: single nucleotide variant.
Coding change: c.1111A>G on transcript NM_016955.4 (MANE Select); coding-DNA position 1111, A replaced by G.
Protein change: p.Ile371Val; replaces isoleucine 371 with valine.
Molecular consequence: missense variant.
Genome position (GRCh38, 1-based): chr4:25,127,273, T>C on the plus strand (A>G on the coding strand, the complement: SEPSECS is on the minus strand). VCF-style: chr4-25127273-T-C. GRCh37 (hg19) VCF-style: chr4-25128895-T-C.
Other names: c.1111A>G (NM_016955.3); short protein forms I371V.
Identifiers: ClinVar variation 1434877 (VCV001434877.5), dbSNP rs377440128, ClinGen allele CA2877243.

ClinVar aggregate classification (germline): Uncertain significance. Review status: criteria provided, multiple submitters, no conflicts (2 of 4 stars). 2 submissions from 2 submitters: Uncertain significance (2). Last evaluated 2025-05-28.

Conditions:
Inborn genetic diseases. Identifiers: MedGen C0950123, MeSH D030342.

Allele frequency attached by ClinVar (database versions not stated): ESP Exome Variant Server 0.00008.
gnomAD v4.1: 36 of 1,607,258 alleles (0.0022%); highest among the groups gnomAD compares: African/African-American, 0.027%; no homozygotes.

Submissions (2):

Ambry Genetics
Classification: Uncertain significance for Inborn genetic diseases. Last evaluated: 2025-05-28. Review status: criteria provided, single submitter. Criteria: Ambry Variant Classification Scheme 2023. Collection method: clinical testing. Allele origin: germline.

Labcorp Genetics (formerly Invitae), Labcorp
Classification: Uncertain significance. Last evaluated: 2024-10-28. Review status: criteria provided, single submitter. Criteria: Invitae Variant Classification Sherloc (09022015). Collection method: clinical testing. Allele origin: germline.
Comment: This sequence change replaces isoleucine, which is neutral and non-polar, with valine, which is neutral and non-polar, at codon 371 of the SEPSECS protein (p.Ile371Val). This variant is present in population databases (rs377440128, gnomAD 0.02%). This variant has not been reported in the literature in individuals affected with SEPSECS-related conditions. ClinVar contains an entry for this variant (Variation ID: 1434877). Invitae Evidence Modeling of protein sequence and biophysical properties (such as structural, functional, and spatial information, amino acid conservation, physicochemical variation, residue mobility, and thermodynamic stability) indicates that this missense variant is not expected to disrupt SEPSECS protein function with a negative predictive value of 80%. In summary, the available evidence is currently insufficient to determine the role of this variant in disease. Therefore, it has been classified as a Variant of Uncertain Significance.